The following is an entry in ClinVar:

NM_003128.3(SPTBN1):c.1429C>T (p.Arg477Cys)

Gene: SPTBN1 (spectrin beta, non-erythrocytic 1; plus strand). Cytogenetic location: 2p16.2.
Variant type: single nucleotide variant.
Coding change: c.1429C>T on transcript NM_003128.3 (MANE Select); coding-DNA position 1429, C replaced by T.
Protein change: p.Arg477Cys; replaces arginine 477 with cysteine.
Molecular consequence: missense variant.
Genome position (GRCh38, 1-based): chr2:54,626,019, C>T. VCF-style: chr2-54626019-C-T. GRCh37 (hg19) VCF-style: chr2-54853156-C-T.
Other names: c.1390C>T, p.Arg464Cys (NM_178313.3); short protein forms R464C, R477C.
Identifiers: ClinVar variation 1805969 (VCV001805969.2), dbSNP rs2549520186, ClinGen allele CA346872022.
Genomic context (GRCh38, chr2:54,626,019, plus strand): 5'-GTTGAGGCCGCCACAAAAAAGCACGAGGCCATTGAGACAGACATTGCCGCATACGAGGAG[C>T]GTGTGCAGGCTGTGGTAGCCGTGGCCAGGGAGCTCGAGGCCGAGAATTACCACGACATCA-3'
Protein context (NP_003119.2, residues 467-487): IETDIAAYEE[Arg477Cys]VQAVVAVARE

ClinVar aggregate classification (germline): Likely pathogenic. Review status: criteria provided, single submitter (1 of 4 stars). 2 submissions from 2 submitters: Likely pathogenic (1). 1 of the submissions does not count toward it. Last evaluated 2022-09-02.

Conditions:
Developmental delay, impaired speech, and behavioral abnormalities. Identifiers: MedGen C5561957, MONDO:0859178, OMIM 619475.

Submissions (2):

Victorian Clinical Genetics Services, Murdoch Childrens Research Institute
Classification: Likely pathogenic for Developmental delay, impaired speech, and behavioral abnormalities. Last evaluated: 2022-09-02. Review status: criteria provided, single submitter. Criteria: ACMG Guidelines, 2015. Collection method: clinical testing. Allele origin: germline. Inheritance: Autosomal dominant inheritance. Affected: yes.
Comment: Based on the classification scheme VCGS_Germline_v1.3.4, this variant is classified as Likely pathogenic. Following criteria are met: 0102 - Loss of function is a known mechanism of disease in this gene and is associated with developmental delay, impaired speech, and behavioural abnormalities (MIM#619475). (I) 0107 - This gene is associated with autosomal dominant disease. (I) 0200 - Variant is predicted to result in a missense amino acid change from arginine to cysteine. (I) 0251 - This variant is heterozygous. (I) 0301 - Variant is absent from gnomAD (both v2 and v3). (SP) 0501 - Missense variant consistently predicted to be damaging by multiple in silico tools or highly conserved with a major amino acid change. (SP) 0600 - Variant is located in the annotated spectrin repaeat (DECIPHER). (I) 0705 - No comparable missense variants have previous evidence for pathogenicity. (I) 0807 - This variant has no previous evidence of pathogenicity. (I) 0905 - No published segregation evidence has been identified for this variant. (I) 1007 - No published functional evidence has been identified for this variant. (SP) Legend: (SP) - Supporting pathogenic, (I) - Information, (SB) - Supporting benign

Diagnostics Centre, Carl Von Ossietzky University Oldenburg
Classification: Uncertain significance. Last evaluated: 2026-05-26. Review status: no assertion criteria provided. Collection method: clinical testing. Allele origin: germline. Affected: yes. Observed: 1 variant allele. Not counted in ClinVar's aggregate classification.